The following is an entry in ClinVar:

NM_001365896.1(NACA):c.3279C>T (p.Gly1093=)

Gene: NACA (nascent polypeptide associated complex subunit alpha; minus strand). Cytogenetic location: 12q13.3.
Variant type: single nucleotide variant.
Coding change: c.3279C>T on transcript NM_001365896.1 (MANE Select); coding-DNA position 3279, C replaced by T.
Protein change: p.Gly1093=; no amino-acid change (glycine 1093 retained).
Molecular consequence: synonymous variant. On other transcripts: intron variant (6).
Genome position (GRCh38, 1-based): chr12:56,718,251, G>A on the plus strand (C>T on the coding strand, the complement: NACA is on the minus strand). VCF-style: chr12-56718251-G-A. GRCh37 (hg19) VCF-style: chr12-57112035-G-A.
Other names: c.71-3564C>T (NM_001113202.2, NM_001320194.2, NM_001320193.2 and 2 more transcripts); c.1864+1286C>T (NM_001113203.3).
Identifiers: ClinVar variation 3898095 (VCV003898095.7).
Genomic context (GRCh38, chr12:56,718,251, plus strand): 5'-TGGGGAGGGAGGAGTTGCAGCTGGGGGCATGGGGGCCCCTTTGGGGGATGGGGTAGCTGG[G>A]CCTCCTTTTGGGGAGGGAGGAGTCGCAGCTGGGGGAGTGGGGGCCCCCTTGAGGGATGGG-3'
Protein context (NP_001352825.1, residues 1083-1103): PAATPPSPKG[Gly1093=]PATPSPKGAP

ClinVar aggregate classification (germline): Likely benign (1 of 4 stars; one submission).

Submission:

CeGaT Center for Human Genetics Tuebingen
Classification: Likely benign. Last evaluated: 2025-12-01. Review status: criteria provided, single submitter. Criteria: CeGaT Center For Human Genetics Tuebingen Variant Classification Criteria Version 2. Collection method: clinical testing. Allele origin: germline. Affected: yes. Observed: 2 variant alleles.
Comment: NACA: BP4, BP7